The following is an entry in ClinVar:

ClinVar aggregate classification (germline): Uncertain significance (1 of 4 stars; one submission).

Conditions:
Neuroblastoma, susceptibility to, 3. Also called: ALK-Related Neuroblastic Tumor Susceptibility. Identifiers: Orphanet 635, MedGen C2751681, MONDO:0013083, OMIM 613014.

Submission:

Labcorp Genetics (formerly Invitae), Labcorp
Classification: Uncertain significance for Neuroblastoma, susceptibility to, 3. Last evaluated: 2024-06-28. Review status: criteria provided, single submitter. Criteria: Invitae Variant Classification Sherloc (09022015). Collection method: clinical testing. Allele origin: germline.
Comment: This sequence change creates a premature translational stop signal (p.Asn1519Ilefs*4) in the ALK gene. While this is not anticipated to result in nonsense mediated decay, it is expected to disrupt the last 102 amino acid(s) of the ALK protein. This variant is not present in population databases (gnomAD no frequency). This variant has not been reported in the literature in individuals affected with ALK-related conditions. ClinVar contains an entry for this variant (Variation ID: 1517189). Experimental studies and prediction algorithms are not available or were not evaluated, and the functional significance of this variant is currently unknown. In summary, the available evidence is currently insufficient to determine the role of this variant in disease. Therefore, it has been classified as a Variant of Uncertain Significance.

NM_004304.5(ALK):c.4554del (p.Asn1519fs)

Gene: ALK (ALK receptor tyrosine kinase; minus strand). Cytogenetic location: 2p23.2.
Variant type: Deletion.
Coding change: c.4554del on transcript NM_004304.5 (MANE Select); coding-DNA position 4554, one base deleted (G; older notation c.4554delG).
Protein change: p.Asn1519fs; shifts the reading frame from asparagine 1519.
Molecular consequence: frameshift variant.
Genome position (GRCh38, 1-based): chr2:29,193,533, C deleted on the plus strand (G on the coding strand, the reverse complement: ALK is on the minus strand). VCF-style (leftmost placement, unchanged base first): chr2-29193532-TC-T. GRCh37 (hg19) VCF-style: chr2-29416398-TC-T.
Other names: c.1350del, p.Asn451fs (NM_001353765.2); short protein forms N1519fs, N451fs.
Identifiers: ClinVar variation 1517189 (VCV001517189.6), dbSNP rs2148137938, ClinGen allele CA2573134630.
Genomic context (GRCh38, chr2:29,193,532, plus strand): 5'-AGCTTCCCTCCAGCCCCAGGTTACCCCTGTCGTGTGGCTCCTTCTTTGCTATAGGATTAT[TC>T]TTTTTGGTGGGTTTCTCTGTAAACCAGGAGCCGTACGTTGGGTTCCACAAGCTGGTGGGC-3'